The following is an entry in ClinVar:

NM_033056.4(PCDH15):c.5816A>T (p.Asn1939Ile)

Gene: PCDH15 (protocadherin related 15; minus strand). Cytogenetic location: 10q21.1.
Variant type: single nucleotide variant.
Coding change: c.5816A>T on transcript NM_033056.4 (MANE Plus Clinical); coding-DNA position 5816, A replaced by T.
Protein change: p.Asn1939Ile; replaces asparagine 1939 with isoleucine.
Molecular consequence: missense variant. On other transcripts: intron variant (8).
Genome position (GRCh38, 1-based): chr10:53,821,910, T>A on the plus strand (A>T on the coding strand, the complement: PCDH15 is on the minus strand). VCF-style: chr10-53821910-T-A. GRCh37 (hg19) VCF-style: chr10-55581670-T-A.
Other names: c.4368-1680A>T (NM_001384140.1); c.4373+3226A>T (NM_001142772.2, NM_001142770.3); c.4388+3226A>T (NM_001142771.2); c.4388+5483A>T (NM_001354411.2); c.4409+3226A>T (NM_001142769.3); c.5822A>T, p.Asn1941Ile (NM_001142764.2); c.5609A>T, p.Asn1870Ile (NM_001142765.2); c.5807A>T, p.Asn1936Ile (NM_001142766.2); and 7 more; short protein forms N1936I, N1939I, N1870I, N1899I, N1919I, N1916I, N1946I, N1917I.
Identifiers: ClinVar variation 937158 (VCV000937158.9), dbSNP rs931395591, ClinGen allele CA376524149.

ClinVar aggregate classification (germline): Uncertain significance. Review status: criteria provided, single submitter (1 of 4 stars). 2 submissions from 2 submitters: Uncertain significance (1). 1 of the submissions does not count toward it. Last evaluated 2024-10-16.

Conditions:
Usher syndrome type 1F (USH1F). Also called: USHER SYNDROME, TYPE IF. Identifiers: Orphanet 231169, Orphanet 886, MedGen C1865885, MONDO:0011186, OMIM 602083.

gnomAD v4.1: 1 of 1,613,728 alleles (0.000062%); highest among the groups gnomAD compares: African/African-American, 0.0013%; no homozygotes.

Submissions (2):

Labcorp Genetics (formerly Invitae), Labcorp
Classification: Uncertain significance. Last evaluated: 2024-10-16. Review status: criteria provided, single submitter. Criteria: Invitae Variant Classification Sherloc (09022015). Collection method: clinical testing. Allele origin: germline.
Comment: This sequence change replaces asparagine, which is neutral and polar, with isoleucine, which is neutral and non-polar, at codon 1939 of the PCDH15 protein (p.Asn1939Ile). This variant is not present in population databases (gnomAD no frequency). This variant has not been reported in the literature in individuals affected with PCDH15-related conditions. ClinVar contains an entry for this variant (Variation ID: 937158). Invitae Evidence Modeling of protein sequence and biophysical properties (such as structural, functional, and spatial information, amino acid conservation, physicochemical variation, residue mobility, and thermodynamic stability) indicates that this missense variant is not expected to disrupt PCDH15 protein function with a negative predictive value of 95%. In summary, the available evidence is currently insufficient to determine the role of this variant in disease. Therefore, it has been classified as a Variant of Uncertain Significance.

Natera, Inc.
Classification: Uncertain significance for Usher syndrome type 1F. Last evaluated: 2020-08-28. Review status: no assertion criteria provided. Collection method: clinical testing. Allele origin: germline. Not counted in ClinVar's aggregate classification.